The following is an entry in ClinVar:

ClinVar aggregate classification (germline): Pathogenic (1 of 4 stars; one submission).

Conditions:
Neurofibromatosis, type 1 (NF1). Also called: Peripheral type neurofibromatosis; VON RECKLINGHAUSEN DISEASE; NEUROFIBROMATOSIS, TYPE I, SOMATIC; Neurofibromatosis, type I. Identifiers: Orphanet 636, MedGen C0027831, MONDO:0018975, OMIM 162200. Disease mechanism: loss of function.

Submission:

Labcorp Genetics (formerly Invitae), Labcorp
Classification: Pathogenic for Neurofibromatosis, type 1. Last evaluated: 2025-05-13. Review status: criteria provided, single submitter. Criteria: Invitae Variant Classification Sherloc (09022015). Collection method: clinical testing. Allele origin: germline.
Comment: This sequence change affects an acceptor splice site in intron 21 of the NF1 gene. It is expected to disrupt RNA splicing. Variants that disrupt the donor or acceptor splice site typically lead to a loss of protein function (PMID: 16199547), and loss-of-function variants in NF1 are known to be pathogenic (PMID: 10712197, 23913538). This variant is not present in population databases (gnomAD no frequency). Disruption of this splice site has been observed in individual(s) with neurofibromatosis type I (PMID: 15060124, 31730495). ClinVar contains an entry for this variant (Variation ID: 2137973). Algorithms developed to predict the effect of sequence changes on RNA splicing suggest that this variant may disrupt the consensus splice site. For these reasons, this variant has been classified as Pathogenic.

Literature cited by the submitters: PubMed 16199547; PubMed 10712197; PubMed 23913538; PubMed 15060124; PubMed 31730495.

NM_001042492.3(NF1):c.2851-2A>G

Gene: NF1 (neurofibromin 1; plus strand). Cytogenetic location: 17q11.2.
Variant type: single nucleotide variant.
Coding change: c.2851-2A>G on transcript NM_001042492.3 (MANE Select); the canonical splice acceptor site of the intron before coding-DNA position 2851, A replaced by G.
Molecular consequence: splice acceptor variant.
Genome position (GRCh38, 1-based): chr17:31,229,833, A>G. VCF-style: chr17-31229833-A-G. GRCh37 (hg19) VCF-style: chr17-29556851-A-G.
Other names: c.2851-2A>G (NM_000267.4).
Identifiers: ClinVar variation 2137973 (VCV002137973.4), dbSNP rs2151430455, ClinGen allele CA398985939.